The following is an entry in ClinVar:

NM_003922.4(HERC1):c.3092C>T (p.Ser1031Leu)

Gene: HERC1 (HECT and RLD domain containing E3 ubiquitin protein ligase family member 1; minus strand). Cytogenetic location: 15q22.31.
Variant type: single nucleotide variant.
Coding change: c.3092C>T on transcript NM_003922.4 (MANE Select); coding-DNA position 3092, C replaced by T.
Protein change: p.Ser1031Leu; replaces serine 1031 with leucine.
Molecular consequence: missense variant.
Genome position (GRCh38, 1-based): chr15:63,729,298, G>A on the plus strand (C>T on the coding strand, the complement: HERC1 is on the minus strand). VCF-style: chr15-63729298-G-A. GRCh37 (hg19) VCF-style: chr15-64021497-G-A.
Other names: short protein forms S1031L.
Identifiers: ClinVar variation 451367 (VCV000451367.2), dbSNP rs1555430202, ClinGen allele CA392759025.

ClinVar aggregate classification (germline): Uncertain significance (1 of 4 stars; one submission).

Submission:

GeneDx
Classification: Uncertain significance. Last evaluated: 2017-08-14. Review status: criteria provided, single submitter. Criteria: GeneDx Variant Classification (06012015). Collection method: clinical testing. Allele origin: germline. Affected: yes.
Comment: The S1031L variant in the HERC1 gene has not been reported previously as a pathogenic variant, nor as a benign variant, to our knowledge. The S1031L variant is not observed in large population cohorts (Lek et al., 2016; 1000 Genomes Consortium et al., 2015; Exome Variant Server). The S1031L variant is a non-conservative amino acid substitution, which is likely to impact secondary protein structure as these residues differ in polarity, charge, size and/or other properties. This substitution occurs at a position that is conserved in mammals. In silico analysis predicts this variant is probably damaging to the protein structure/function. We interpret S1031L as a variant of uncertain significance.